The following is an entry in ClinVar:

NM_080552.3(SLC32A1):c.401T>A (p.Val134Glu)

Gene: SLC32A1 (solute carrier family 32 member 1; plus strand). Cytogenetic location: 20q11.23.
Variant type: single nucleotide variant.
Coding change: c.401T>A on transcript NM_080552.3 (MANE Select); coding-DNA position 401, T replaced by A.
Protein change: p.Val134Glu; replaces valine 134 with glutamic acid.
Molecular consequence: missense variant.
Genome position (GRCh38, 1-based): chr20:38,727,462, T>A. VCF-style: chr20-38727462-T-A. GRCh37 (hg19) VCF-style: chr20-37356105-T-A.
Other names: short protein forms V134E.
Identifiers: ClinVar variation 4071826 (VCV004071826.1).

ClinVar aggregate classification (germline): Uncertain significance (1 of 4 stars; one submission).

Submission:

GeneDx
Classification: Uncertain significance. Last evaluated: 2025-01-25. Review status: criteria provided, single submitter. Criteria: GeneDx Variant Classification Process June 2021. Collection method: clinical testing. Allele origin: germline. Affected: yes.
Comment: Not observed at significant frequency in large population cohorts (gnomAD); In silico analysis supports that this missense variant has a deleterious effect on protein structure/function; Has not been previously published as pathogenic or benign to our knowledge